The following is an entry in ClinVar:

NM_004752.4(GCM2):c.1286C>T (p.Pro429Leu)

Gene: GCM2 (GCM transcription factor 2; minus strand). Cytogenetic location: 6p24.2.
Variant type: single nucleotide variant.
Coding change: c.1286C>T on transcript NM_004752.4 (MANE Select); coding-DNA position 1286, C replaced by T.
Protein change: p.Pro429Leu; replaces proline 429 with leucine.
Molecular consequence: missense variant.
Genome position (GRCh38, 1-based): chr6:10,874,230, G>A on the plus strand (C>T on the coding strand, the complement: GCM2 is on the minus strand). VCF-style: chr6-10874230-G-A. GRCh37 (hg19) VCF-style: chr6-10874463-G-A.
Other names: short protein forms P429L.
Identifiers: ClinVar variation 3771900 (VCV003771900.13).

ClinVar aggregate classification (germline): Likely benign (1 of 4 stars; one submission).

gnomAD v4.1: 5 of 1,614,062 alleles (0.00031%); highest among the groups gnomAD compares: Non-Finnish European, 0.00034%; no homozygotes.

Submission:

CeGaT Center for Human Genetics Tuebingen
Classification: Likely benign. Last evaluated: 2025-01-01. Review status: criteria provided, single submitter. Criteria: CeGaT Center For Human Genetics Tuebingen Variant Classification Criteria Version 2. Collection method: clinical testing. Allele origin: germline. Affected: yes. Observed: 1 variant allele.
Comment: GCM2: BP4